The following is an entry in ClinVar:

NM_007272.3(CTRC):c.616G>A (p.Asp206Asn)

Gene: CTRC (chymotrypsin C; plus strand). Cytogenetic location: 1p36.21.
Variant type: single nucleotide variant.
Coding change: c.616G>A on transcript NM_007272.3 (MANE Select); coding-DNA position 616, G replaced by A.
Protein change: p.Asp206Asn; replaces aspartic acid 206 with asparagine.
Molecular consequence: missense variant.
Genome position (GRCh38, 1-based): chr1:15,444,728, G>A. VCF-style: chr1-15444728-G-A. GRCh37 (hg19) VCF-style: chr1-15771223-G-A.
Other names: short protein forms D206N.
Identifiers: ClinVar variation 439572 (VCV000439572.21), dbSNP rs780097120, ClinGen allele CA613396.

ClinVar aggregate classification (germline): Uncertain significance. Review status: criteria provided, multiple submitters, no conflicts (2 of 4 stars). 3 submissions from 3 submitters: Uncertain significance (3). Last evaluated 2025-03-27.

Conditions:
Hereditary pancreatitis (PCTT). Also called: PRSS1-Related Hereditary Pancreatitis; Hereditary chronic pancreatitis. Identifiers: Orphanet 676, MedGen C0238339, MONDO:0008185, OMIM 167800.

Allele frequency attached by ClinVar (database versions not stated): ExAC 0.00001; gnomAD exomes 0.00001 and 0.00002; gnomAD 0.00003; TOPMed 0.00004.

Submissions (3):

Labcorp Genetics (formerly Invitae), Labcorp
Classification: Uncertain significance for Hereditary pancreatitis. Last evaluated: 2025-03-27. Review status: criteria provided, single submitter. Criteria: Invitae Variant Classification Sherloc (09022015). Collection method: clinical testing. Allele origin: germline.
Comment: This sequence change replaces aspartic acid, which is acidic and polar, with asparagine, which is neutral and polar, at codon 206 of the CTRC protein (p.Asp206Asn). This variant is present in population databases (rs780097120, gnomAD 0.01%). This variant has not been reported in the literature in individuals affected with CTRC-related conditions. ClinVar contains an entry for this variant (Variation ID: 439572). Invitae Evidence Modeling of protein sequence and biophysical properties (such as structural, functional, and spatial information, amino acid conservation, physicochemical variation, residue mobility, and thermodynamic stability) has been performed for this missense variant. However, the output from this modeling did not meet the statistical confidence thresholds required to predict the impact of this variant on CTRC protein function. In summary, the available evidence is currently insufficient to determine the role of this variant in disease. Therefore, it has been classified as a Variant of Uncertain Significance.

Ambry Genetics
Classification: Uncertain significance for Hereditary pancreatitis. Last evaluated: 2025-01-27. Review status: criteria provided, single submitter. Criteria: Ambry Variant Classification Scheme 2023. Collection method: clinical testing. Allele origin: germline.
Comment: The p.D206N variant (also known as c.616G>A), located in coding exon 6 of the CTRC gene, results from a G to A substitution at nucleotide position 616. The aspartic acid at codon 206 is replaced by asparagine, an amino acid with highly similar properties. This amino acid position is conserved. In addition, this alteration is predicted to be tolerated by in silico analysis. Since supporting evidence is limited at this time, the clinical significance of this alteration remains unclear.

ARUP Laboratories, Molecular Genetics and Genomics, ARUP Laboratories
Classification: Uncertain significance. Last evaluated: 2017-03-24. Review status: criteria provided, single submitter. Criteria: ARUP Molecular Germline Variant Investigation Process. Collection method: clinical testing. Allele origin: germline.